The following is an entry in ClinVar:

ClinVar aggregate classification (germline): Likely pathogenic. Review status: criteria provided, multiple submitters, no conflicts (2 of 4 stars). 3 submissions from 3 submitters: Likely pathogenic (3). Last evaluated 2025-10-26.

Conditions:
Hereditary cancer-predisposing syndrome. Also called: Neoplastic Syndromes, Hereditary; Tumor predisposition; Hereditary neoplastic syndrome; Hereditary Cancer Syndrome. Identifiers: Orphanet 140162, MedGen C0027672, MeSH D009386, MONDO:0015356.

Submissions (3):

Labcorp Genetics (formerly Invitae), Labcorp
Classification: Likely pathogenic. Last evaluated: 2025-10-26. Review status: criteria provided, single submitter. Criteria: Invitae Variant Classification Sherloc (09022015). Collection method: clinical testing. Allele origin: germline.
Comment: This sequence change replaces methionine, which is neutral and non-polar, with arginine, which is basic and polar, at codon 27 of the SMARCB1 protein (p.Met27Arg). This variant is not present in population databases (gnomAD no frequency). This missense change has been observed in individuals with SMARCB1-related schwannomatosis (PMID: 24362817; internal data). ClinVar contains an entry for this variant (Variation ID: 838596). An algorithm developed to predict the effect of missense changes on protein structure and function (PolyPhen-2) suggests that this variant is likely to be tolerated. In summary, the currently available evidence indicates that the variant is pathogenic, but additional data are needed to prove that conclusively. Therefore, this variant has been classified as Likely Pathogenic.

Ambry Genetics
Classification: Likely pathogenic for Hereditary cancer-predisposing syndrome. Last evaluated: 2025-10-23. Review status: criteria provided, single submitter. Criteria: Ambry Variant Classification Scheme 2023. Collection method: clinical testing. Allele origin: germline.
Comment: The p.M27R variant (also known as c.80T>G), located in coding exon 1 of the SMARCB1 gene, results from a T to G substitution at nucleotide position 80. The methionine at codon 27 is replaced by arginine, an amino acid with similar properties. This variant was reported in individuals with features consistent with schwannomatosis (Piotrowski A et al. Nat Genet, 2014 Feb;46:182-7; Internal communication; Ambry internal data). This amino acid position is highly conserved in available vertebrate species. In addition, this alteration is predicted to be deleterious by in silico analysis. This variant is considered to be rare based on population cohorts in the Genome Aggregation Database (gnomAD). Loss-of-function variants in SMARCB1 are known to cause rhabdoid tumor predisposition syndrome; however, such associations with neurodevelopmental disorders are exceedingly rare (Kosho T et al. Am J Med Genet C Semin Med Genet. 2014 Sep;166C(3):262-75; Eaton KW et al. Pediatr Blood Cancer. 2011 Jan;56(1):7-15). Based on the supporting evidence, this alteration is likely pathogenic for SMARCB1-related tumor predisposition syndrome; however, the association of this alteration with Coffin-Siris syndrome is unlikely.

GeneDx
Classification: Likely pathogenic. Last evaluated: 2020-05-12. Review status: criteria provided, single submitter. Criteria: GeneDx Variant Classification Process June 2021. Collection method: clinical testing. Allele origin: germline. Affected: yes.
Comment: Not observed in large population cohorts (Lek 2016); In silico analysis, which includes protein predictors and evolutionary conservation, supports a deleterious effect; This variant is associated with the following publications: (PMID: 27702896, 24362817)

Literature cited by the submitters: PubMed 24362817 (cited by Labcorp Genetics (formerly Invitae), Labcorp and Ambry Genetics).

NM_003073.5(SMARCB1):c.80T>G (p.Met27Arg)

Gene: SMARCB1 (SWI/SNF related BAF chromatin remodeling complex subunit B1; plus strand). Cytogenetic location: 22q11.23.
Variant type: single nucleotide variant.
Coding change: c.80T>G on transcript NM_003073.5 (MANE Select); coding-DNA position 80, T replaced by G.
Protein change: p.Met27Arg; replaces methionine 27 with arginine.
Molecular consequence: missense variant.
Genome position (GRCh38, 1-based): chr22:23,787,249, T>G. VCF-style: chr22-23787249-T-G. GRCh37 (hg19) VCF-style: chr22-24129436-T-G.
Other names: c.80T>G, p.Met27Arg (NM_001007468.3, NM_001317946.2, NM_001362877.2); short protein forms M27R.
Identifiers: ClinVar variation 838596 (VCV000838596.12), dbSNP rs763994045, ClinGen allele CA410930957.